The following is an entry in ClinVar:

ClinVar aggregate classification (germline): Conflicting classifications of pathogenicity. Review status: criteria provided, conflicting classifications (1 of 4 stars). 5 submissions from 5 submitters: Uncertain significance (4); Likely benign (1). Last evaluated 2025-07-04.

Conditions:
Hereditary cancer-predisposing syndrome. Also called: Hereditary neoplastic syndrome; Neoplastic Syndromes, Hereditary; Tumor predisposition; Hereditary Cancer Syndrome. Identifiers: Orphanet 140162, MedGen C0027672, MeSH D009386, MONDO:0015356.
Intellectual disability, autosomal dominant 16 (CSS4). Also called: COFFIN-SIRIS SYNDROME 4. Identifiers: Orphanet 1465, MedGen C3553249, MONDO:0013821, OMIM 614609.
Rhabdoid tumor predisposition syndrome 2 (RTPS2). Identifiers: Orphanet 231108, Orphanet 69077, MedGen C2750074, MONDO:0013224, OMIM 613325.

Allele frequency attached by ClinVar (database versions not stated): gnomAD exomes below 0.00001 and 0.00001; ExAC 0.00001.
gnomAD v4.1: 3 of 1,614,118 alleles (0.00019%); highest among the groups gnomAD compares: Admixed American, 0.0033%; no homozygotes.

Submissions (5):

Labcorp Genetics (formerly Invitae), Labcorp
Classification: Uncertain significance for Rhabdoid tumor predisposition syndrome 2. Last evaluated: 2025-07-04. Review status: criteria provided, single submitter. Criteria: Invitae Variant Classification Sherloc (09022015). Collection method: clinical testing. Allele origin: germline.
Comment: This sequence change replaces asparagine, which is neutral and polar, with serine, which is neutral and polar, at codon 1548 of the SMARCA4 protein (p.Asn1548Ser). This variant is present in population databases (rs767810437, gnomAD 0.006%). This variant has not been reported in the literature in individuals affected with SMARCA4-related conditions. ClinVar contains an entry for this variant (Variation ID: 470412). Invitae Evidence Modeling of protein sequence and biophysical properties (such as structural, functional, and spatial information, amino acid conservation, physicochemical variation, residue mobility, and thermodynamic stability) indicates that this missense variant is not expected to disrupt SMARCA4 protein function with a negative predictive value of 95%. In summary, the available evidence is currently insufficient to determine the role of this variant in disease. Therefore, it has been classified as a Variant of Uncertain Significance.

Ambry Genetics
Classification: Likely benign for Hereditary cancer-predisposing syndrome. Last evaluated: 2025-03-20. Review status: criteria provided, single submitter. Criteria: Ambry Variant Classification Scheme 2023. Collection method: clinical testing. Allele origin: germline.

Quest Diagnostics Nichols Institute San Juan Capistrano
Classification: Uncertain significance. Last evaluated: 2025-02-12. Review status: criteria provided, single submitter. Criteria: Quest Diagnostics criteria. Collection method: clinical testing. Allele origin: unknown.
Comment: The SMARCA4 c.4643A>G (p.Asn1548Ser) variant has not been reported in individuals with SMARCA4-related conditions in the published literature. The frequency of this variant in the general population (Genome Aggregation Database) is uninformative in the assessment of its pathogenicity. Analysis of this variant using bioinformatics tools for the prediction of the effect of amino acid changes on protein structure and function yielded predictions that this variant is benign. Based on the available information, we are unable to determine the clinical significance of this variant.

Genome-Nilou Lab
Classification: Uncertain significance for Intellectual disability, autosomal dominant 16. Last evaluated: 2021-07-15. Review status: criteria provided, single submitter. Criteria: ACMG Guidelines, 2015. Collection method: clinical testing. Allele origin: germline. Affected: no.

GeneDx
Classification: Uncertain significance. Last evaluated: 2021-04-20. Review status: criteria provided, single submitter. Criteria: GeneDx Variant Classification Process June 2021. Collection method: clinical testing. Allele origin: germline. Affected: yes.
Comment: In silico analysis supports that this missense variant does not alter protein structure/function; Has not been previously published as pathogenic or benign to our knowledge

NM_003072.5(SMARCA4):c.4547A>G (p.Asn1516Ser)

Gene: SMARCA4 (SWI/SNF related BAF chromatin remodeling complex subunit ATPase 4; plus strand). Cytogenetic location: 19p13.2.
Variant type: single nucleotide variant.
Coding change: c.4547A>G on transcript NM_003072.5 (MANE Select); coding-DNA position 4547, A replaced by G.
Protein change: p.Asn1516Ser; replaces asparagine 1516 with serine.
Molecular consequence: missense variant. On other transcripts: non-coding transcript variant (1).
Genome position (GRCh38, 1-based): chr19:11,058,801, A>G. VCF-style: chr19-11058801-A-G. GRCh37 (hg19) VCF-style: chr19-11169477-A-G.
Other names: c.4547A>G, p.Asn1516Ser (NM_001128844.3); c.4457A>G, p.Asn1486Ser (NM_001128845.2); c.4454A>G, p.Asn1485Ser (NM_001128846.2); c.4448A>G, p.Asn1483Ser (NM_001128847.4, NM_001374457.1); c.4445A>G, p.Asn1482Ser (NM_001128848.2); c.4643A>G, p.Asn1548Ser (NM_001128849.3, NM_001387283.1); short protein forms N1548S, N1482S, N1485S, N1486S, N1516S, N1483S.
Identifiers: ClinVar variation 470412 (VCV000470412.21), dbSNP rs767810437, ClinGen allele CA9204797.